The following is an entry in ClinVar:

NM_000238.4(KCNH2):c.2657A>C (p.Lys886Thr)

Gene: KCNH2 (potassium voltage-gated channel subfamily H member 2; minus strand). Cytogenetic location: 7q36.1.
Variant type: single nucleotide variant.
Coding change: c.2657A>C on transcript NM_000238.4 (MANE Select); coding-DNA position 2657, A replaced by C.
Protein change: p.Lys886Thr; replaces lysine 886 with threonine.
Molecular consequence: missense variant. On other transcripts: non-coding transcript variant (2).
Genome position (GRCh38, 1-based): chr7:150,948,479, T>G on the plus strand (A>C on the coding strand, the complement: KCNH2 is on the minus strand). VCF-style: chr7-150948479-T-G. GRCh37 (hg19) VCF-style: chr7-150645567-T-G.
Other names: c.2369A>C, p.Lys790Thr (NM_001406753.1); c.1637A>C, p.Lys546Thr (NM_172057.3); short protein forms K546T, K790T, K886T.
Identifiers: ClinVar variation 3073894 (VCV003073894.1), dbSNP rs2486012353, ClinGen allele CA369853717.

ClinVar aggregate classification (germline): Uncertain significance (1 of 4 stars; one submission).

Conditions:
Long QT syndrome (LQTS). Identifiers: MedGen C0023976, MeSH D008133, MONDO:0002442. Disease mechanism: loss of function. Inheritance: Various modes of inheritance.

Submission:

All of Us Research Program, National Institutes of Health
Classification: Uncertain significance for Long QT syndrome. Last evaluated: 2023-11-30. Review status: criteria provided, single submitter. Criteria: ACMG Guidelines, 2015. Collection method: clinical testing. Allele origin: germline. Inheritance: Autosomal dominant inheritance. Observed: 1 variant allele, 1 heterozygote.
Comment: This study involves interpretation of variants in research participants for the purpose of population health screening. Participant phenotype was not available at the time of variant classification. Additional details can be found in publication PMID: 35346344, PMCID: PMC8962531